The following is an entry in ClinVar:

ClinVar aggregate classification (germline): Uncertain significance. Review status: criteria provided, multiple submitters, no conflicts (2 of 4 stars). 2 submissions from 2 submitters: Uncertain significance (2). Last evaluated 2017-10-12.

Conditions:
Dilated cardiomyopathy 1G (CMD1G). Identifiers: Orphanet 154, MedGen C1858763, MONDO:0011400, OMIM 604145.
Autosomal recessive limb-girdle muscular dystrophy type 2J (LGMDR10). Also called: Limb-girdle muscular dystrophy, type 2J; MUSCULAR DYSTROPHY, LIMB-GIRDLE, AUTOSOMAL RECESSIVE 10. Identifiers: Orphanet 140922, MedGen C1837342, MONDO:0012127, OMIM 608807.
Cardiovascular phenotype. Identifiers: MedGen CN230736.

Allele frequency attached by ClinVar (database versions not stated): gnomAD exomes below 0.00001; TOPMed below 0.00001; ExAC 0.00001.
gnomAD v4.1: 1 of 1,593,662 alleles (0.000063%); highest among the groups gnomAD compares: Non-Finnish European, 0.000085%; no homozygotes.

Submissions (2):

Ambry Genetics
Classification: Uncertain significance for Cardiovascular phenotype. Last evaluated: 2017-10-12. Review status: criteria provided, single submitter. Criteria: Ambry Variant Classification Scheme 2023. Collection method: clinical testing. Allele origin: germline.
Comment: The p.E4491K variant (also known as c.13471G>A), located in coding exon 48 of the TTN gene, results from a G to A substitution at nucleotide position 13471. The glutamic acid at codon 4491 is replaced by lysine, an amino acid with similar properties. This amino acid position is highly conserved in available vertebrate species. In addition, this alteration is predicted to be tolerated by in silico analysis. Since supporting evidence is limited at this time, the clinical significance of this alteration remains unclear.

Labcorp Genetics (formerly Invitae), Labcorp
Classification: Uncertain significance for Dilated cardiomyopathy 1G; Autosomal recessive limb-girdle muscular dystrophy type 2J. Last evaluated: 2016-09-20. Review status: criteria provided, single submitter. Criteria: Invitae Variant Classification Sherloc (09022015). Collection method: clinical testing. Allele origin: germline.

NM_001267550.2(TTN):c.40666G>A (p.Glu13556Lys)

Gene: TTN (titin; minus strand). Cytogenetic location: 2q31.2.
Variant type: single nucleotide variant.
Coding change: c.40666G>A on transcript NM_001267550.2 (MANE Select); coding-DNA position 40666, G replaced by A.
Protein change: p.Glu13556Lys; replaces glutamic acid 13556 with lysine.
Molecular consequence: missense variant.
Genome position (GRCh38, 1-based): chr2:178,640,598, C>T on the plus strand (G>A on the coding strand, the complement: TTN is on the minus strand). VCF-style: chr2-178640598-C-T. GRCh37 (hg19) VCF-style: chr2-179505325-C-T.
Other names: c.35743G>A, p.Glu11915Lys (NM_001256850.1); c.13471G>A, p.Glu4491Lys (NM_003319.4); c.32962G>A, p.Glu10988Lys (NM_133378.4); c.13846G>A, p.Glu4616Lys (NM_133432.3); c.14047G>A, p.Glu4683Lys (NM_133437.4); short protein forms E13556K, E4491K, E10988K, E11915K, E4683K, E4616K.
Identifiers: ClinVar variation 404952 (VCV000404952.7), dbSNP rs781066709, ClinGen allele CA1996418.